The following is an entry in ClinVar:

NM_024537.4(CARS2):c.398A>G (p.Asn133Ser)

Gene: CARS2 (cysteinyl-tRNA synthetase 2, mitochondrial; minus strand). Cytogenetic location: 13q34.
Variant type: single nucleotide variant.
Coding change: c.398A>G on transcript NM_024537.4 (MANE Select); coding-DNA position 398, A replaced by G.
Protein change: p.Asn133Ser; replaces asparagine 133 with serine.
Molecular consequence: missense variant. On other transcripts: 5 prime UTR variant (1), non-coding transcript variant (2).
Genome position (GRCh38, 1-based): chr13:110,688,014, T>C on the plus strand (A>G on the coding strand, the complement: CARS2 is on the minus strand). VCF-style: chr13-110688014-T-C. GRCh37 (hg19) VCF-style: chr13-111340361-T-C.
Other names: c.-602A>G (NM_001352252.2); c.398A>G, p.Asn133Ser (NM_001352253.3); short protein forms N133S.
Identifiers: ClinVar variation 1061844 (VCV001061844.6), dbSNP rs748579020, ClinGen allele CA7052266.
Genomic context (GRCh38, chr13:110,688,014, plus strand): 5'-GCTGCCATGTCCTGCTTGAAGTCTTCCTCATAAAGACTGGCGAGGGAAGCGGGGGAAATA[T>C]TCATCTGCAGAAGGATTAGATGTGCACGTTAATGAGTCTGGGGCATTCGCAACAGAACCA-3'
Protein context (NP_078813.1, residues 123-143): DKIIKRANEM[Asn133Ser]ISPASLASLY

ClinVar aggregate classification (germline): Uncertain significance (1 of 4 stars; one submission).

Conditions:
Combined oxidative phosphorylation defect type 27. Also called: Combined oxidative phosphorylation deficiency 27. Identifiers: Orphanet 477774, MedGen C5567608, MONDO:0014728, OMIM 616672.

Allele frequency attached by ClinVar (database versions not stated): gnomAD exomes below 0.00001 and 0.00001; ExAC 0.00001; gnomAD 0.00001; TOPMed 0.00002.

Submission:

Labcorp Genetics (formerly Invitae), Labcorp
Classification: Uncertain significance for Combined oxidative phosphorylation defect type 27. Last evaluated: 2021-09-01. Review status: criteria provided, single submitter. Criteria: Invitae Variant Classification Sherloc (09022015). Collection method: clinical testing. Allele origin: germline.
Comment: This sequence change replaces asparagine with serine at codon 133 of the CARS2 protein (p.Asn133Ser). The asparagine residue is highly conserved and there is a small physicochemical difference between asparagine and serine. This variant is present in population databases (rs748579020, ExAC 0.002%). This variant has not been reported in the literature in individuals affected with CARS2-related conditions. Algorithms developed to predict the effect of missense changes on protein structure and function output the following: SIFT: "Tolerated"; PolyPhen-2: "Benign"; Align-GVGD: "Class C0". The serine amino acid residue is found in multiple mammalian species, which suggests that this missense change does not adversely affect protein function. In summary, the available evidence is currently insufficient to determine the role of this variant in disease. Therefore, it has been classified as a Variant of Uncertain Significance.